The following is an entry in ClinVar:

NM_004415.4(DSP):c.2555A>G (p.Asp852Gly)

Gene: DSP (desmoplakin; plus strand). Cytogenetic location: 6p24.3.
Variant type: single nucleotide variant.
Coding change: c.2555A>G on transcript NM_004415.4 (MANE Select); coding-DNA position 2555, A replaced by G.
Protein change: p.Asp852Gly; replaces aspartic acid 852 with glycine.
Molecular consequence: missense variant.
Genome position (GRCh38, 1-based): chr6:7,575,413, A>G. VCF-style: chr6-7575413-A-G. GRCh37 (hg19) VCF-style: chr6-7575646-A-G.
Other names: c.2555A>G (LRG_423t1); c.2555A>G, p.Asp852Gly (NM_001008844.3, NM_001319034.2); short protein forms D852G.
Identifiers: ClinVar variation 628474 (VCV000628474.8), dbSNP rs1561693903, ClinGen allele CA362681597.
Genomic context (GRCh38, chr6:7,575,413, plus strand): 5'-TACAGAAAGCCCAGCAGATCCACTCTCAGACTTCACAGCAGTATCCACTTTATGATCTGG[A>G]CTTGGGCAAGTTCGGTGAAAAAGTCACACAGCTGACAGACCGCTGGCAAAGGATAGATAA-3'
Protein context (NP_004406.2, residues 842-862): TSQQYPLYDL[Asp852Gly]LGKFGEKVTQ

ClinVar aggregate classification (germline): Uncertain significance. Review status: criteria provided, multiple submitters, no conflicts (2 of 4 stars). 3 submissions from 3 submitters: Uncertain significance (3). Last evaluated 2025-05-15.

Conditions:
Arrhythmogenic cardiomyopathy with wooly hair and keratoderma. Also called: PALMOPLANTAR KERATODERMA WITH LEFT VENTRICULAR CARDIOMYOPATHY AND WOOLLY HAIR; Carvajal syndrome; Dilated cardiomyopathy with woolly hair and keratoderma; Arrhythmogenic cardiomyopathy with woolly hair and keratoderma. Identifiers: Orphanet 65282, MedGen C1854063, MONDO:0011581, OMIM 605676.
Arrhythmogenic right ventricular dysplasia 8 (ARVD8). Also called: ARRHYTHMOGENIC RIGHT VENTRICULAR DYSPLASIA, FAMILIAL, 8; ARRHYTHMOGENIC RIGHT VENTRICULAR CARDIOMYOPATHY 8; Arrhythmogenic Right Ventricular Dysplasia/Cardiomyopathy 8. Identifiers: MedGen C1843896, MONDO:0011831, OMIM 607450.
Cardiomyopathy (CMYO). Also called: Cardiomyopathies. Identifiers: Orphanet 167848, MedGen C0878544, MONDO:0004994, HP:0001638. Inheritance: Various modes of inheritance.
Cardiovascular phenotype. Identifiers: MedGen CN230736.

Allele frequency attached by ClinVar (database versions not stated): gnomAD exomes below 0.00001; TOPMed below 0.00001.
gnomAD v4.1: 3 of 1,614,184 alleles (0.00019%); highest among the groups gnomAD compares: African/African-American, 0.0013%; no homozygotes.

Submissions (3):

Ambry Genetics
Classification: Uncertain significance for Cardiovascular phenotype. Last evaluated: 2025-05-15. Review status: criteria provided, single submitter. Criteria: Ambry Variant Classification Scheme 2023. Collection method: clinical testing. Allele origin: germline.

Labcorp Genetics (formerly Invitae), Labcorp
Classification: Uncertain significance for Arrhythmogenic cardiomyopathy with wooly hair and keratoderma; Arrhythmogenic right ventricular dysplasia 8. Last evaluated: 2024-10-23. Review status: criteria provided, single submitter. Criteria: Invitae Variant Classification Sherloc (09022015). Collection method: clinical testing. Allele origin: germline.
Comment: This sequence change replaces aspartic acid, which is acidic and polar, with glycine, which is neutral and non-polar, at codon 852 of the DSP protein (p.Asp852Gly). This variant is not present in population databases (gnomAD no frequency). This variant has not been reported in the literature in individuals affected with DSP-related conditions. ClinVar contains an entry for this variant (Variation ID: 628474). An algorithm developed to predict the effect of missense changes on protein structure and function (PolyPhen-2) suggests that this variant is likely to be disruptive. In summary, the available evidence is currently insufficient to determine the role of this variant in disease. Therefore, it has been classified as a Variant of Uncertain Significance.

Color Diagnostics, LLC DBA Color Health
Classification: Uncertain significance for Cardiomyopathy. Last evaluated: 2024-03-06. Review status: criteria provided, single submitter. Criteria: ACMG Guidelines, 2015. Collection method: clinical testing. Allele origin: germline.
Comment: This missense variant replaces aspartic acid with glycine at codon 852 of the DSP protein. Computational prediction is inconclusive regarding the impact of this variant on protein structure and function (internally defined REVEL score threshold 0.5 < inconclusive < 0.7, PMID: 27666373). Splice site prediction tools suggest that this variant may not impact RNA splicing. To our knowledge, functional studies have not been performed for this variant. This variant has not been reported in individuals affected with cardiovascular disorders in the literature. This variant has not been identified in the general population by the Genome Aggregation Database (gnomAD). The available evidence is insufficient to determine the role of this variant in disease conclusively. Therefore, this variant is classified as a Variant of Uncertain Significance.